The following is an entry in ClinVar:

ClinVar aggregate classification (germline): Likely benign. Review status: criteria provided, multiple submitters, no conflicts (2 of 4 stars). 2 submissions from 2 submitters: Likely benign (2). Last evaluated 2025-01-08.

Conditions:
Episodic kinesigenic dyskinesia (EKD). Also called: Paroxysmal kinesigenic dyskinesia. Identifiers: Orphanet 98809, MedGen C1868682, MONDO:0044202.

Allele frequency attached by ClinVar (database versions not stated): gnomAD exomes below 0.00001 and 0.00002; gnomAD 0.00001 and 0.00002; TOPMed 0.00004.

Submissions (2):

Labcorp Genetics (formerly Invitae), Labcorp
Classification: Likely benign for Episodic kinesigenic dyskinesia. Last evaluated: 2025-01-08. Review status: criteria provided, single submitter. Criteria: Invitae Variant Classification Sherloc (09022015). Collection method: clinical testing. Allele origin: germline.

CeGaT Center for Human Genetics Tuebingen
Classification: Likely benign. Last evaluated: 2024-04-01. Review status: criteria provided, single submitter. Criteria: CeGaT Center For Human Genetics Tuebingen Variant Classification Criteria Version 2. Collection method: clinical testing. Allele origin: germline. Affected: yes. Observed: 2 variant alleles.
Comment: PRRT2: BP4, BP7

NM_145239.3(PRRT2):c.1012+20A>G

Genes: MVP-DT (MVP divergent transcript; minus strand), PRRT2 (proline rich transmembrane protein 2; plus strand). Cytogenetic location: 16p11.2.
Variant type: single nucleotide variant.
Coding change: c.1012+20A>G on transcript NM_145239.3 (MANE Select); 20 bases into the intron after coding-DNA position 1012, A replaced by G.
Molecular consequence: intron variant. On other transcripts: synonymous variant (1), 3 prime UTR variant (1).
Genome position (GRCh38, 1-based): chr16:29,814,485, A>G. VCF-style: chr16-29814485-A-G. GRCh37 (hg19) VCF-style: chr16-29825806-A-G.
Other names: c.1032A>G, p.Thr344= (NM_001256442.2); c.*531A>G (NM_001256443.2).
Identifiers: ClinVar variation 1553084 (VCV001553084.37), dbSNP rs1421740540, ClinGen allele CA494583049.
Genomic context (GRCh38, chr16:29,814,485, plus strand): 5'-AGTCCTCATCATCATCGCCTCCTGCGTCATCAACTTAGGCGGTGAGTGGGGGCTTGGGAC[A>G]GGCAGGGGAGGAATGGAAGGGTTGGCAAGGGCAGCTTTACTAACCCCTGCCCCTGCTCTC-3'